The following is an entry in ClinVar:

ClinVar aggregate classification (germline): Likely benign. Review status: criteria provided, multiple submitters, no conflicts (2 of 4 stars). 3 submissions from 3 submitters: Likely benign (3). Last evaluated 2026-06-12.

Conditions:
Saldino-Mainzer syndrome (SRTD9). Also called: SHORT-RIB THORACIC DYSPLASIA 9 WITHOUT POLYDACTYLY; Renal dysplasia, retinal pigmentary dystrophy, cerebellar ataxia and skeletal dysplasia; CONORENAL SYNDROME; short-rib thoracic dysplasia 9 with or without polydactyly. Identifiers: Orphanet 140969, MedGen C1849437, MONDO:0009964, OMIM 266920.
Retinitis pigmentosa 80 (RP80). Identifiers: MedGen C4540439, MONDO:0054708, OMIM 617781.
IFT140-related disorder. Also called: IFT140-related condition.

Allele frequency attached by ClinVar (database versions not stated): TOPMed below 0.00001; gnomAD exomes 0.00001.
gnomAD v4.1: 13 of 1,611,276 alleles (0.00081%); highest among the groups gnomAD compares: Non-Finnish European, 0.001%; no homozygotes.

Submissions (3):

PreventionGenetics, part of Exact Sciences
Classification: Likely benign for IFT140-related condition. Last evaluated: 2026-06-12. Review status: criteria provided, single submitter. Criteria: ACMG Guidelines, 2015. Collection method: clinical testing. Allele origin: germline.
Comment: This variant is classified as likely benign based on ACMG/AMP sequence variant interpretation guidelines (Richards et al. 2015 PMID: 25741868, with internal and published modifications).

Labcorp Genetics (formerly Invitae), Labcorp
Classification: Likely benign for Saldino-Mainzer syndrome. Last evaluated: 2024-11-27. Review status: criteria provided, single submitter. Criteria: Invitae Variant Classification Sherloc (09022015). Collection method: clinical testing. Allele origin: germline.

Fulgent Genetics
Classification: Likely benign for Saldino-Mainzer syndrome; Retinitis pigmentosa 80. Last evaluated: 2021-12-04. Review status: criteria provided, single submitter. Criteria: ACMG Guidelines, 2015. Collection method: clinical testing. Allele origin: unknown.

NM_014714.4(IFT140):c.1737C>T (p.Ser579=)

Gene: IFT140 (intraflagellar transport 140; minus strand). Cytogenetic location: 16p13.3.
Variant type: single nucleotide variant.
Coding change: c.1737C>T on transcript NM_014714.4 (MANE Select); coding-DNA position 1737, C replaced by T.
Protein change: p.Ser579=; no amino-acid change (serine 579 retained).
Molecular consequence: synonymous variant.
Genome position (GRCh38, 1-based): chr16:1,568,250, G>A on the plus strand (C>T on the coding strand, the complement: IFT140 is on the minus strand). VCF-style: chr16-1568250-G-A. GRCh37 (hg19) VCF-style: chr16-1618251-G-A.
Other names: c.1737C>T (NM_014714.3).
Identifiers: ClinVar variation 1561643 (VCV001561643.10), dbSNP rs1230491407, ClinGen allele CA492923965.